The following is an entry in ClinVar:

NM_006623.4(PHGDH):c.290+6T>C

Gene: PHGDH (phosphoglycerate dehydrogenase; plus strand). Cytogenetic location: 1p12.
Variant type: single nucleotide variant.
Coding change: c.290+6T>C on transcript NM_006623.4 (MANE Select); 6 bases into the intron after coding-DNA position 290, T replaced by C.
Molecular consequence: intron variant.
Genome position (GRCh38, 1-based): chr1:119,721,327, T>C. VCF-style: chr1-119721327-T-C. GRCh37 (hg19) VCF-style: chr1-120263950-T-C.
Identifiers: ClinVar variation 2022614 (VCV002022614.4), dbSNP rs2464082004, ClinGen allele CA2580060910.

ClinVar aggregate classification (germline): Uncertain significance (1 of 4 stars; one submission).

Conditions:
PHGDH deficiency. Identifiers: Orphanet 79351, MedGen C1866174, MONDO:0011152, OMIM 601815.

Submission:

Labcorp Genetics (formerly Invitae), Labcorp
Classification: Uncertain significance for PHGDH deficiency. Last evaluated: 2023-08-10. Review status: criteria provided, single submitter. Criteria: Invitae Variant Classification Sherloc (09022015). Collection method: clinical testing. Allele origin: germline.
Comment: In summary, the available evidence is currently insufficient to determine the role of this variant in disease. Therefore, it has been classified as a Variant of Uncertain Significance. Variants that disrupt the consensus splice site are a relatively common cause of aberrant splicing (PMID: 17576681, 9536098). Algorithms developed to predict the effect of sequence changes on RNA splicing suggest that this variant is not likely to affect RNA splicing. ClinVar contains an entry for this variant (Variation ID: 2022614). This variant has not been reported in the literature in individuals affected with PHGDH-related conditions. This variant is not present in population databases (gnomAD no frequency). This sequence change falls in intron 2 of the PHGDH gene. It does not directly change the encoded amino acid sequence of the PHGDH protein. It affects a nucleotide within the consensus splice site.

Literature cited by the submitters: PubMed 17576681; PubMed 9536098.